The following is an entry in ClinVar:

ClinVar aggregate classification (germline): Likely benign (1 of 4 stars; one submission).

gnomAD v4.1: 516 of 1,605,562 alleles (0.032%); highest among the groups gnomAD compares: South Asian, 0.29%; 4 homozygotes.

Submission:

CeGaT Center for Human Genetics Tuebingen
Classification: Likely benign. Last evaluated: 2026-07-01. Review status: criteria provided, single submitter. Criteria: CeGaT Center For Human Genetics Tuebingen Variant Classification Criteria Version 2. Collection method: clinical testing. Allele origin: germline. Affected: yes. Observed: 1 variant allele.
Comment: ATP6V0A1: BP4, BP7

NM_001130021.3(ATP6V0A1):c.2403C>T (p.His801=)

Gene: ATP6V0A1 (ATPase H+ transporting V0 subunit a1; plus strand). Cytogenetic location: 17q21.2.
Variant type: single nucleotide variant.
Coding change: c.2403C>T on transcript NM_001130021.3 (MANE Select); coding-DNA position 2403, C replaced by T.
Protein change: p.His801=; no amino-acid change (histidine 801 retained).
Molecular consequence: synonymous variant. On other transcripts: intron variant (7).
Genome position (GRCh38, 1-based): chr17:42,514,443, C>T. VCF-style: chr17-42514443-C-T. GRCh37 (hg19) VCF-style: chr17-40666461-C-T.
Other names: c.2406C>T, p.His802= (NM_001130020.3); c.2424C>T, p.His808= (NM_001378522.1); c.2298C>T, p.His766= (NM_001378523.1); c.2601C>T, p.His867= (NM_001378530.1); c.2547C>T, p.His849= (NM_001378531.1); c.2529C>T, p.His843= (NM_001378532.1); c.2526C>T, p.His842= (NM_001378533.1); c.2499C>T, p.His833= (NM_001378534.1); and 20 more.
Identifiers: ClinVar variation 5038854 (VCV005038854.1).
Genomic context (GRCh38, chr17:42,514,443, plus strand): 5'-CTTTGCCACCCTGACCGTGGCCATCCTCCTGATCATGGAGGGCCTCTCGGCCTTTCTCCA[C>T]GCACTGCGCTTACACTGGTGAGGGGCAGTGGGGCAGGGCGGGCATGGGGGTGGATGTGTC-3'
Protein context (NP_001123493.1, residues 791-811): LIMEGLSAFL[His801=]ALRLHWVEFQ